The following is an entry in ClinVar:

ClinVar aggregate classification (germline): Uncertain significance (1 of 4 stars; one submission).

Conditions:
Cardiovascular phenotype. Identifiers: MedGen CN230736.

Allele frequency attached by ClinVar (database versions not stated): gnomAD exomes 0.00001; TOPMed 0.00001; ExAC 0.00003; gnomAD 0.00001.
gnomAD v4.1: 18 of 1,613,988 alleles (0.0011%); highest among the groups gnomAD compares: Middle Eastern, 0.016%; no homozygotes.

Submission:

Ambry Genetics
Classification: Uncertain significance for Cardiovascular phenotype. Last evaluated: 2025-07-13. Review status: criteria provided, single submitter. Criteria: Ambry Variant Classification Scheme 2023. Collection method: clinical testing. Allele origin: germline.
Comment: The p.R250H variant (also known as c.749G>A), located in coding exon 5 of the LPL gene, results from a G to A substitution at nucleotide position 749. The arginine at codon 250 is replaced by histidine, an amino acid with highly similar properties. This amino acid position is conserved. In addition, the in silico prediction for this alteration is inconclusive. Since supporting evidence is limited at this time, the clinical significance of this alteration remains unclear.

NM_000237.3(LPL):c.749G>A (p.Arg250His)

Gene: LPL (lipoprotein lipase; plus strand). Cytogenetic location: 8p21.3.
Variant type: single nucleotide variant.
Coding change: c.749G>A on transcript NM_000237.3 (MANE Select); coding-DNA position 749, G replaced by A.
Protein change: p.Arg250His; replaces arginine 250 with histidine.
Molecular consequence: missense variant.
Genome position (GRCh38, 1-based): chr8:19,954,327, G>A. VCF-style: chr8-19954327-G-A. GRCh37 (hg19) VCF-style: chr8-19811838-G-A.
Other names: short protein forms R250H.
Identifiers: ClinVar variation 1759195 (VCV001759195.3), dbSNP rs750750025, ClinGen allele CA4655505.